The following is an entry in ClinVar:

NM_001365951.3(KIF1B):c.1633G>C (p.Glu545Gln)

Gene: KIF1B (kinesin family member 1B; plus strand). Cytogenetic location: 1p36.22.
Variant type: single nucleotide variant.
Coding change: c.1633G>C on transcript NM_001365951.3 (MANE Select); coding-DNA position 1633, G replaced by C.
Protein change: p.Glu545Gln; replaces glutamic acid 545 with glutamine.
Molecular consequence: missense variant.
Genome position (GRCh38, 1-based): chr1:10,295,128, G>C. VCF-style: chr1-10295128-G-C. GRCh37 (hg19) VCF-style: chr1-10355186-G-C.
Other names: c.1633G>C, p.Glu545Gln (NM_001365952.1); c.1495G>C, p.Glu499Gln (NM_001365953.1, NM_015074.3, NM_183416.4); short protein forms E545Q, E499Q.
Identifiers: ClinVar variation 1773882 (VCV001773882.3), dbSNP rs1650197758, ClinGen allele CA338314471.

ClinVar aggregate classification (germline): Uncertain significance (1 of 4 stars; one submission).

Allele frequency attached by ClinVar (database versions not stated): TOPMed below 0.00001.

Submission:

Ambry Genetics
Classification: Uncertain significance. Last evaluated: 2024-07-14. Review status: criteria provided, single submitter. Criteria: Ambry Variant Classification Scheme 2023. Collection method: clinical testing. Allele origin: germline.
Comment: The p.E499Q variant (also known as c.1495G>C), located in coding exon 15 of the KIF1B gene, results from a G to C substitution at nucleotide position 1495. The glutamic acid at codon 499 is replaced by glutamine, an amino acid with highly similar properties. This amino acid position is conserved. In addition, this alteration is predicted to be deleterious by in silico analysis. Since supporting evidence is limited at this time, the clinical significance of this alteration remains unclear.